The following is an entry in ClinVar:

NM_002474.3(MYH11):c.4991C>T (p.Ala1664Val)

Genes: MYH11 (myosin heavy chain 11; minus strand), NDE1 (nudE neurodevelopment protein 1; plus strand). Cytogenetic location: 16p13.11.
Variant type: single nucleotide variant.
Coding change: c.4991C>T on transcript NM_002474.3 (MANE Select); coding-DNA position 4991, C replaced by T.
Protein change: p.Ala1664Val; replaces alanine 1664 with valine.
Molecular consequence: missense variant. On other transcripts: intron variant (2).
Genome position (GRCh38, 1-based): chr16:15,719,676, G>A on the plus strand (C>T on the coding strand, the complement: MYH11 is on the minus strand). VCF-style: chr16-15719676-G-A. GRCh37 (hg19) VCF-style: chr16-15813533-G-A.
Other names: c.5012C>T, p.Ala1671Val (NM_001040113.2, NM_001040114.2); c.4991C>T, p.Ala1664Val (NM_022844.3); c.948-4515G>A (NM_001143979.2, NM_017668.3); c.4991C>T (NM_002474.2); short protein forms A1664V, A1671V.
Identifiers: ClinVar variation 918565 (VCV000918565.5), dbSNP rs2040362704, ClinGen allele CA394851764.

ClinVar aggregate classification (germline): Uncertain significance. Review status: criteria provided, multiple submitters, no conflicts (2 of 4 stars). 2 submissions from 2 submitters: Uncertain significance (2). Last evaluated 2026-07-02.

Conditions:
Familial thoracic aortic aneurysm and aortic dissection (TAAD). Also called: Thoracic aortic aneurysms and dissections. Identifiers: Orphanet 91387, MedGen C4707243, MONDO:0019625.

Allele frequency attached by ClinVar (database versions not stated): gnomAD exomes below 0.00001.
gnomAD v4.1: 1 of 1,614,146 alleles (0.000062%); highest among the groups gnomAD compares: Non-Finnish European, 0.000085%; no homozygotes.

Submissions (2):

Ambry Genetics
Classification: Uncertain significance for Familial thoracic aortic aneurysm and aortic dissection. Last evaluated: 2026-07-02. Review status: criteria provided, single submitter. Criteria: Ambry Variant Classification Scheme 2023. Collection method: clinical testing. Allele origin: germline.
Comment: The p.A1664V variant (also known as c.4991C>T), located in coding exon 34 of the MYH11 gene, results from a C to T substitution at nucleotide position 4991. The alanine at codon 1664 is replaced by valine, an amino acid with similar properties. This amino acid position is conserved. In addition, the in silico prediction for this alteration is inconclusive. Based on the available evidence, the clinical significance of this variant remains unclear.

Color Diagnostics, LLC DBA Color Health
Classification: Uncertain significance for Familial thoracic aortic aneurysm and aortic dissection. Last evaluated: 2024-03-06. Review status: criteria provided, single submitter. Criteria: ACMG Guidelines, 2015. Collection method: clinical testing. Allele origin: germline.
Comment: This missense variant replaces alanine with valine at codon 1671 of the MYH11 protein. Computational prediction is inconclusive regarding the impact of this variant on protein structure and function (internally defined REVEL score threshold 0.5 < inconclusive < 0.7, PMID: 27666373). To our knowledge, functional studies have not been reported for this variant. This variant has not been reported in individuals affected with cardiovascular disorders in the literature. This variant has not been identified in the general population by the Genome Aggregation Database (gnomAD). The available evidence is insufficient to determine the role of this variant in disease conclusively. Therefore, this variant is classified as a Variant of Uncertain Significance.